The following is an entry in ClinVar:

ClinVar aggregate classification (germline): Uncertain significance (1 of 4 stars; one submission).

Submission:

Labcorp Genetics (formerly Invitae), Labcorp
Classification: Uncertain significance. Last evaluated: 2025-06-06. Review status: criteria provided, single submitter. Criteria: Invitae Variant Classification Sherloc (09022015). Collection method: clinical testing. Allele origin: germline.
Comment: This sequence change replaces isoleucine, which is neutral and non-polar, with threonine, which is neutral and polar, at codon 41 of the RPL19 protein (p.Ile41Thr). This variant is not present in population databases (gnomAD no frequency). This variant has not been reported in the literature in individuals affected with RPL19-related conditions. An algorithm developed to predict the effect of missense changes on protein structure and function (PolyPhen-2) suggests that this variant is likely to be disruptive. In summary, the available evidence is currently insufficient to determine the role of this variant in disease. Therefore, it has been classified as a Variant of Uncertain Significance.

NM_000981.4(RPL19):c.122T>C (p.Ile41Thr)

Gene: RPL19 (ribosomal protein L19; plus strand). Cytogenetic location: 17q12.
Variant type: single nucleotide variant.
Coding change: c.122T>C on transcript NM_000981.4 (MANE Select); coding-DNA position 122, T replaced by C.
Protein change: p.Ile41Thr; replaces isoleucine 41 with threonine.
Molecular consequence: missense variant.
Genome position (GRCh38, 1-based): chr17:39,202,326, T>C. VCF-style: chr17-39202326-T-C. GRCh37 (hg19) VCF-style: chr17-37358579-T-C.
Other names: c.116T>C, p.Ile39Thr (NM_001330200.1); short protein forms I39T, I41T.
Identifiers: ClinVar variation 4754005 (VCV004754005.1).